The following is an entry in ClinVar:

NM_014974.3(DIP2C):c.2511C>T (p.Asp837=)

Gene: DIP2C (DIP2 acetate--CoA ligase C (putative); minus strand). Cytogenetic location: 10p15.3.
Variant type: single nucleotide variant.
Coding change: c.2511C>T on transcript NM_014974.3 (MANE Select); coding-DNA position 2511, C replaced by T.
Protein change: p.Asp837=; no amino-acid change (aspartic acid 837 retained).
Molecular consequence: synonymous variant.
Genome position (GRCh38, 1-based): chr10:363,278, G>A on the plus strand (C>T on the coding strand, the complement: DIP2C is on the minus strand). VCF-style: chr10-363278-G-A. GRCh37 (hg19) VCF-style: chr10-409218-G-A.
Identifiers: ClinVar variation 3043987 (VCV003043987.3), dbSNP rs199725116, ClinGen allele CA5380389.

ClinVar aggregate classification (germline): Likely benign. Review status: criteria provided, single submitter (1 of 4 stars). 2 submissions from 2 submitters: Likely benign (1). 1 of the submissions does not count toward it. Last evaluated 2025-12-08.

Conditions:
DIP2C-related disorder. Also called: DIP2C-related condition.

Allele frequency attached by ClinVar (database versions not stated): gnomAD exomes 0.00001; ExAC 0.00004; gnomAD 0.00005; TOPMed 0.00005; 1000 Genomes Project 30x 0.00016; 1000 Genomes Project 0.00020.
gnomAD v4.1: 28 of 1,612,770 alleles (0.0017%); highest among the groups gnomAD compares: African/African-American, 0.0093%; no homozygotes.

Submissions (2):

Labcorp Genetics (formerly Invitae), Labcorp
Classification: Likely benign. Last evaluated: 2025-12-08. Review status: criteria provided, single submitter. Criteria: Invitae Variant Classification Sherloc (09022015). Collection method: clinical testing. Allele origin: germline.

PreventionGenetics, part of Exact Sciences
Classification: Likely benign for DIP2C-related condition. Last evaluated: 2019-06-06. Review status: no assertion criteria provided. Collection method: clinical testing. Allele origin: germline. Not counted in ClinVar's aggregate classification.
Comment: This variant is classified as likely benign based on ACMG/AMP sequence variant interpretation guidelines (Richards et al. 2015 PMID: 25741868, with internal and published modifications).